The following is an entry in ClinVar:

NM_001130987.2(DYSF):c.109A>G (p.Lys37Glu)

Gene: DYSF (dysferlin; plus strand). Cytogenetic location: 2p13.2.
Variant type: single nucleotide variant.
Coding change: c.109A>G on transcript NM_001130987.2 (MANE Select); coding-DNA position 109, A replaced by G.
Protein change: p.Lys37Glu; replaces lysine 37 with glutamic acid.
Molecular consequence: missense variant.
Genome position (GRCh38, 1-based): chr2:71,480,900, A>G. VCF-style: chr2-71480900-A-G. GRCh37 (hg19) VCF-style: chr2-71708030-A-G.
Other names: c.106A>G, p.Lys36Glu (NM_003494.4, NM_001130976.2, NM_001130977.2 and 4 more transcripts); c.109A>G, p.Lys37Glu (NM_001130455.2, NM_001130982.2, NM_001130983.2 and 3 more transcripts); short protein forms K36E, K37E.
Identifiers: ClinVar variation 999298 (VCV000999298.6), dbSNP rs2082828360, ClinGen allele CA347215968.

ClinVar aggregate classification (germline): Uncertain significance (1 of 4 stars; one submission).

Conditions:
Neuromuscular disease caused by qualitative or quantitative defects of dysferlin. Also called: Qualitative or quantitative defects of dysferlin; Dysferlinopathy. Identifiers: Orphanet 207073, MedGen C2931687, MONDO:0016145.

Allele frequency attached by ClinVar (database versions not stated): gnomAD exomes below 0.00001.
gnomAD v4.1: 1 of 1,614,152 alleles (0.000062%); highest among the groups gnomAD compares: Non-Finnish European, 0.000085%; no homozygotes.

Submission:

Labcorp Genetics (formerly Invitae), Labcorp
Classification: Uncertain significance for Neuromuscular disease caused by qualitative or quantitative defects of dysferlin. Last evaluated: 2021-09-01. Review status: criteria provided, single submitter. Criteria: Invitae Variant Classification Sherloc (09022015). Collection method: clinical testing. Allele origin: germline.
Comment: This sequence change replaces lysine with glutamic acid at codon 36 of the DYSF protein (p.Lys36Glu). The lysine residue is moderately conserved and there is a small physicochemical difference between lysine and glutamic acid. This variant is not present in population databases (ExAC no frequency). This variant has not been reported in the literature in individuals affected with DYSF-related conditions. Advanced modeling of protein sequence and biophysical properties (such as structural, functional, and spatial information, amino acid conservation, physicochemical variation, residue mobility, and thermodynamic stability) performed at Invitae indicates that this missense variant is not expected to disrupt DYSF protein function. In summary, the available evidence is currently insufficient to determine the role of this variant in disease. Therefore, it has been classified as a Variant of Uncertain Significance.